The following is an entry in ClinVar:

NM_000458.4(HNF1B):c.1657C>A (p.Pro553Thr)

Gene: HNF1B (HNF1 homeobox B; minus strand). Cytogenetic location: 17q12.
Variant type: single nucleotide variant.
Coding change: c.1657C>A on transcript NM_000458.4 (MANE Select); coding-DNA position 1657, C replaced by A.
Protein change: p.Pro553Thr; replaces proline 553 with threonine.
Molecular consequence: missense variant.
Genome position (GRCh38, 1-based): chr17:37,687,389, G>T on the plus strand (C>A on the coding strand, the complement: HNF1B is on the minus strand). VCF-style: chr17-37687389-G-T. GRCh37 (hg19) VCF-style: chr17-36047392-G-T.
Other names: c.1579C>A, p.Pro527Thr (NM_001165923.4); c.1265C>A, p.Ser422Tyr (NM_001304286.2); c.1657C>A (NM_000458.2); short protein forms P553T, P527T, S422Y.
Identifiers: ClinVar variation 499802 (VCV000499802.31), dbSNP rs147798914, ClinGen allele CA8518762.
Genomic context (GRCh38, chr17:37,687,389, plus strand): 5'-CAGGGTCCTTGTTGTTGCGCACGAAGTAAGTGGTGTGTGGGCATCACCAGGCTTGTAGAG[G>T]ACACTGCAGAGAGAGAGGAGAGAGGGTGCTCAGCTGTGTCATTTGGCAGGGTCATGGGCC-3'
Protein context (NP_000449.1, residues 543-557): LTNMSSSKQC[Pro553Thr]LQAW

ClinVar aggregate classification (germline): Uncertain significance. Review status: criteria provided, multiple submitters, no conflicts (2 of 4 stars). 9 submissions from 9 submitters: Uncertain significance (8). 1 of the submissions does not count toward it. Last evaluated 2026-03-23.

Conditions:
HNF1B-related disorder. Also called: HNF1B-related disorders; HNF1B-related condition.
Type 2 diabetes mellitus. Also called: Type II diabetes mellitus. Identifiers: MedGen C0011860, MeSH D003924, MONDO:0005148, OMIM 125853, HP:0005978.
Nonpapillary renal cell carcinoma. Identifiers: Orphanet 422526, MedGen CN074294, MONDO:0007763, OMIM 144700.
Renal cysts and diabetes syndrome (RCAD). Also called: Familial hypoplastic, glomerulocystic kidney; MATURITY-ONSET DIABETES OF THE YOUNG, TYPE 5. Identifiers: Orphanet 93111, MedGen C0431693, MONDO:0007669, OMIM 137920.
Maturity-onset diabetes of the young (MODY). Also called: Maturity onset diabetes mellitus in young. Identifiers: Orphanet 552, MedGen C0342276, MONDO:0018911, HP:0004904.

Allele frequency attached by ClinVar (database versions not stated): ExAC 0.00002; gnomAD exomes 0.00002; TOPMed 0.00012; ESP Exome Variant Server 0.00015; gnomAD 0.00016.
gnomAD v4.1: 47 of 1,612,146 alleles (0.0029%); highest among the groups gnomAD compares: African/African-American, 0.061%; no homozygotes.

Submissions (9):

Women's Health and Genetics/Laboratory Corporation of America, LabCorp
Classification: Uncertain significance. Last evaluated: 2026-03-23. Review status: criteria provided, single submitter. Criteria: LabCorp Variant Classification Summary - May 2015. Collection method: clinical testing. Allele origin: germline.
Comment: Variant summary: HNF1B c.1657C>A (p.Pro553Thr) results in a non-conservative amino acid change in the encoded protein sequence. Algorithms developed to predict the effect of missense changes on protein structure and function are either unavailable or do not agree on the potential impact of this missense change. The variant allele was found at a frequency of 1.2e-05 in 251166 control chromosomes. The available data on variant occurrences in the general population are insufficient to allow any conclusion about variant significance. c.1657C>A has been observed in a study on HNF1B-related diabetes (Dubois-Laforgue_2017). These report(s) do not provide unequivocal conclusions about association of the variant with Maturity Onset Diabetes Of The Young 5 (Renal Cysts And Diabetes Syndrome). To our knowledge, no experimental evidence demonstrating an impact on protein function has been reported. The following publication have been ascertained in the context of this evaluation (PMID: 28420700). ClinVar contains an entry for this variant (Variation ID: 499802). Based on the evidence outlined above, the variant was classified as uncertain significance.

Labcorp Genetics (formerly Invitae), Labcorp
Classification: Uncertain significance. Last evaluated: 2026-01-27. Review status: criteria provided, single submitter. Criteria: Invitae Variant Classification Sherloc (09022015). Collection method: clinical testing. Allele origin: germline.
Comment: This sequence change replaces proline, which is neutral and non-polar, with threonine, which is neutral and polar, at codon 553 of the HNF1B protein (p.Pro553Thr). This variant is present in population databases (rs147798914, gnomAD 0.03%). This missense change has been observed in individual(s) with HNF1B-related conditions (PMID: 28420700). ClinVar contains an entry for this variant (Variation ID: 499802). Invitae Evidence Modeling of protein sequence and biophysical properties (such as structural, functional, and spatial information, amino acid conservation, physicochemical variation, residue mobility, and thermodynamic stability) indicates that this missense variant is not expected to disrupt HNF1B protein function with a negative predictive value of 95%. In summary, the available evidence is currently insufficient to determine the role of this variant in disease. Therefore, it has been classified as a Variant of Uncertain Significance.

GeneDx
Classification: Uncertain significance. Last evaluated: 2025-10-01. Review status: criteria provided, single submitter. Criteria: GeneDx Variant Classification Process June 2021. Collection method: clinical testing. Allele origin: germline. Affected: yes.
Comment: Reported in a patient with diabetes in published literature, however specific clinical information on the patient was not provided (PMID: 28420700); In silico analysis supports that this missense variant has a deleterious effect on protein structure/function; This variant is associated with the following publications: (PMID: 28420700, 41009948)

Johns Hopkins Genomics, Johns Hopkins University
Classification: Uncertain significance for Renal cysts and diabetes syndrome. Last evaluated: 2024-07-10. Review status: criteria provided, single submitter. Criteria: ACMG Guidelines, 2015. Collection method: clinical testing. Allele origin: germline.
Comment: This HNF1B missense variant has been identified in one or more individuals with diabetes. It (rs147798914) is rare (<0.1%) in a large population dataset (gnomAD v4.1.0: 47/1612146 total alleles; 0.003%; no homozygotes), and has been reported in ClinVar (Variation ID 499802). Of two bioinformatics tools queried, one predicts that the substitution would be damaging, while the other predicts that it would be tolerated, and the proline residue at this position is evolutionarily conserved across all of the species assessed. We consider the clinical significance of c.1657C>A in HNF1B to be uncertain at this time.

Ambry Genetics
Classification: Uncertain significance for Maturity-onset diabetes of the young. Last evaluated: 2024-03-28. Review status: criteria provided, single submitter. Criteria: Ambry Variant Classification Scheme 2023. Collection method: clinical testing. Allele origin: germline.
Comment: The c.1657C>A (p.P553T) alteration is located in exon 9 (coding exon 9) of the HNF1B gene. This alteration results from a C to A substitution at nucleotide position 1657, causing the proline (P) at amino acid position 553 to be replaced by a threonine (T). Based on data from gnomAD, the A allele has an overall frequency of 0.003% (8/282558) total alleles studied. The highest observed frequency was 0.032% (8/24962) of African alleles. This amino acid position is highly conserved in available vertebrate species. This alteration is predicted to be deleterious by in silico analysis. Based on insufficient or conflicting evidence, the clinical significance of this alteration remains unclear.

Fulgent Genetics
Classification: Uncertain significance for Type 2 diabetes mellitus; Renal cysts and diabetes syndrome; Nonpapillary renal cell carcinoma. Last evaluated: 2022-03-30. Review status: criteria provided, single submitter. Criteria: ACMG Guidelines, 2015. Collection method: clinical testing. Allele origin: unknown.

Institute of Human Genetics, FAU Erlangen, Friedrich-Alexander-Universität Erlangen-Nürnberg
Classification: Uncertain significance for Renal cysts and diabetes syndrome. Last evaluated: 2019-07-06. Review status: criteria provided, single submitter. Criteria: ACMG Guidelines, 2015. Collection method: literature only. Allele origin: germline. Affected: yes.
Comment: This variant and it's classification has been reported by Vasileiou et al. 2019; DOI:10.1101/576918. The variants has previously been reported in PMID:28420700 as "c.1657C>A,p.Pro553Thra" with clinical significance VUS. It has been re-classified using InterVar and manual curation as Uncertain significance based on PM1 PM2 PP3.

Eurofins Ntd Llc (ga)
Classification: Uncertain significance. Last evaluated: 2018-05-17. Review status: criteria provided, single submitter. Criteria: EGL ClinVar v180209 classification definitions. Collection method: clinical testing. Allele origin: germline. Observed: 3 variant alleles, 3 heterozygotes.

PreventionGenetics, part of Exact Sciences
Classification: Uncertain significance for HNF1B-related condition. Last evaluated: 2024-04-04. Review status: no assertion criteria provided. Collection method: clinical testing. Allele origin: germline. Not counted in ClinVar's aggregate classification.
Comment: The HNF1B c.1657C>A variant is predicted to result in the amino acid substitution p.Pro553Thr. This variant was reported in an individual with diabetes, but the clinical significance was uncertain (Table S1, Dubois-Laforgue et al. 2017. PubMed ID: 28420700). This variant is reported in 0.032% of alleles in individuals of African descent in gnomAD. At this time, the clinical significance of this variant is uncertain due to the absence of conclusive functional and genetic evidence.

Literature cited by the submitters: PubMed 28420700 (cited by 5 submitters); DOI 10.1101/576918 (cited by Institute of Human Genetics, FAU Erlangen, Friedrich-Alexander-Universität Erlangen-Nürnberg).